The following is an entry in ClinVar:

NM_003482.4(KMT2D):c.1468del (p.Glu490fs)

Gene: KMT2D (lysine methyltransferase 2D; minus strand). Cytogenetic location: 12q13.12.
Variant type: Deletion.
Coding change: c.1468del on transcript NM_003482.4 (MANE Select); coding-DNA position 1468, one base deleted (G; older notation c.1468delG).
Protein change: p.Glu490fs; shifts the reading frame from glutamic acid 490.
Molecular consequence: frameshift variant.
Genome position (GRCh38, 1-based): chr12:49,052,215, C deleted on the plus strand (G on the coding strand, the reverse complement: KMT2D is on the minus strand); the first of 2 consecutive C bases (chr12:49,052,215-49,052,216); deleting either gives the same sequence. VCF-style (leftmost placement, unchanged base first): chr12-49052214-TC-T. GRCh37 (hg19) VCF-style: chr12-49445997-TC-T.
Other names: short protein forms E490fs.
Identifiers: ClinVar variation 5043480 (VCV005043480.1).

ClinVar aggregate classification (germline): Pathogenic (1 of 4 stars; one submission).

Conditions:
Kabuki syndrome 1 (KABUK1). Also called: KMT2D-Related Kabuki Syndrome. Identifiers: Orphanet 2322, MedGen CN030661, MONDO:0007843, OMIM 147920.

Submission:

MVZ Martinsried, Medicover Genetics
Classification: Pathogenic for Kabuki syndrome 1. Last evaluated: 2026-08-10. Review status: criteria provided, single submitter. Criteria: ClinGen Variant Curation SOP V3.2 + Classification Guidance July2025. Collection method: clinical testing. Allele origin: de novo. Affected: yes. Observed: 1 heterozygote.
Comment: PVS1, PM2_Supporting, PS2_Supporting